The following is an entry in ClinVar:

ClinVar aggregate classification (germline): Pathogenic (1 of 4 stars; one submission).

Conditions:
Duchenne muscular dystrophy (DMD). Also called: Duchenne Muscular Dystrophy (DMD); MUSCULAR DYSTROPHY, PSEUDOHYPERTROPHIC PROGRESSIVE, DUCHENNE TYPE. Identifiers: Orphanet 98896, MedGen C0013264, MONDO:0010679, OMIM 310200.

Submission:

Labcorp Genetics (formerly Invitae), Labcorp
Classification: Pathogenic for Duchenne muscular dystrophy. Last evaluated: 2025-03-05. Review status: criteria provided, single submitter. Criteria: Invitae Variant Classification Sherloc (09022015). Collection method: clinical testing. Allele origin: germline.
Comment: This sequence change creates a premature translational stop signal (p.Asn2539Thrfs*37) in the DMD gene. It is expected to result in an absent or disrupted protein product. Loss-of-function variants in DMD are known to be pathogenic (PMID: 16770791, 25007885). This variant is not present in population databases (gnomAD no frequency). This variant has not been reported in the literature in individuals affected with DMD-related conditions. For these reasons, this variant has been classified as Pathogenic.

Literature cited by the submitters: PubMed 16770791; PubMed 25007885.

NM_004006.3(DMD):c.7611del (p.Asn2539fs)

Gene: DMD (dystrophin; minus strand). Cytogenetic location: Xp21.1.
Variant type: Deletion.
Coding change: c.7611del on transcript NM_004006.3 (MANE Select); coding-DNA position 7611, one base deleted (G; older notation c.7611delG).
Protein change: p.Asn2539fs; shifts the reading frame from asparagine 2539.
Molecular consequence: frameshift variant.
Genome position (GRCh38, 1-based): chrX:31,729,680, C deleted on the plus strand (G on the coding strand, the reverse complement: DMD is on the minus strand). VCF-style (leftmost placement, unchanged base first): chrX-31729679-TC-T. GRCh37 (hg19) VCF-style: chrX-31747796-TC-T.
Other names: c.7587del, p.Asn2531fs (NM_000109.4); c.7599del, p.Asn2535fs (NM_004009.3); c.7242del, p.Asn2416fs (NM_004010.3); c.3588del, p.Asn1198fs (NM_004011.4); c.3579del, p.Asn1195fs (NM_004012.4); c.231del, p.Asn79fs (NM_004013.3, NM_004020.4, NM_004021.3 and 2 more transcripts); short protein forms N1195fs, N1198fs, N2535fs, N2539fs, N79fs, N2416fs, N2531fs.
Identifiers: ClinVar variation 3726404 (VCV003726404.2).